The following is an entry in ClinVar:

NM_018706.7(DHTKD1):c.1950G>A (p.Met650Ile)

Gene: DHTKD1 (dehydrogenase E1 and transketolase domain containing 1; plus strand). Cytogenetic location: 10p14.
Variant type: single nucleotide variant.
Coding change: c.1950G>A on transcript NM_018706.7 (MANE Select); coding-DNA position 1950, G replaced by A.
Protein change: p.Met650Ile; replaces methionine 650 with isoleucine.
Molecular consequence: missense variant.
Genome position (GRCh38, 1-based): chr10:12,106,299, G>A. VCF-style: chr10-12106299-G-A. GRCh37 (hg19) VCF-style: chr10-12148298-G-A.
Other names: short protein forms M650I.
Identifiers: ClinVar variation 2914986 (VCV002914986.3), dbSNP rs1833246236, ClinGen allele CA376011224.

ClinVar aggregate classification (germline): Uncertain significance (1 of 4 stars; one submission).

Conditions:
2-aminoadipic 2-oxoadipic aciduria (AAKAD). Also called: ALPHA-AMINOADIPIC AND ALPHA-KETOADIPIC ACIDURIA; Aminoadipic aciduria. Identifiers: Orphanet 79154, MedGen C1859817, MONDO:0008774, OMIM 204750.

Allele frequency attached by ClinVar (database versions not stated): TOPMed below 0.00001.

Submission:

Labcorp Genetics (formerly Invitae), Labcorp
Classification: Uncertain significance for 2-aminoadipic 2-oxoadipic aciduria. Last evaluated: 2024-03-13. Review status: criteria provided, single submitter. Criteria: Invitae Variant Classification Sherloc (09022015). Collection method: clinical testing. Allele origin: germline.
Comment: This sequence change replaces methionine, which is neutral and non-polar, with isoleucine, which is neutral and non-polar, at codon 650 of the DHTKD1 protein (p.Met650Ile). This variant is not present in population databases (gnomAD no frequency). This missense change has been observed in individual(s) with features of DHTKD1-related conditions (Invitae). Advanced modeling of protein sequence and biophysical properties (such as structural, functional, and spatial information, amino acid conservation, physicochemical variation, residue mobility, and thermodynamic stability) performed at Invitae indicates that this missense variant is not expected to disrupt DHTKD1 protein function with a negative predictive value of 80%. In summary, the available evidence is currently insufficient to determine the role of this variant in disease. Therefore, it has been classified as a Variant of Uncertain Significance.